The following is an entry in ClinVar:

ClinVar aggregate classification (germline): Uncertain significance (0 of 4 stars; one submission).

Conditions:
Familial cancer of breast. Also called: BREAST CANCER, FAMILIAL; hereditary breast carcinoma; Hereditary breast cancer. Identifiers: Orphanet 227535, MedGen C0346153, MONDO:0016419, OMIM 114480. Disease mechanism: loss of function.

Submission:

Leiden Open Variation Database
Classification: Uncertain significance for Familial cancer of breast. Last evaluated: 2019-05-13. Review status: no assertion criteria provided. Collection method: curation. Allele origin: germline. Affected: yes.
Comment: Curators: Marc Tischkowitz, Arleen D. Auerbach. Submitter to LOVD: Marc Tischkowitz.

Literature cited by the submitters: PubMed 21932393.

NM_024675.4(PALB2):c.3201+1125T>C

Gene: PALB2 (partner and localizer of BRCA2; minus strand). Cytogenetic location: 16p12.2.
Variant type: single nucleotide variant.
Coding change: c.3201+1125T>C on transcript NM_024675.4 (MANE Select); 1125 bases into the intron after coding-DNA position 3201, T replaced by C.
Molecular consequence: intron variant.
Genome position (GRCh38, 1-based): chr16:23,612,879, A>G on the plus strand (T>C on the coding strand, the complement: PALB2 is on the minus strand). VCF-style: chr16-23612879-A-G. GRCh37 (hg19) VCF-style: chr16-23624200-A-G.
Identifiers: ClinVar variation 126719 (VCV000126719.3), dbSNP rs515726109, ClinGen allele CA269604.